The following is an entry in ClinVar:

ClinVar aggregate classification (germline): Conflicting classifications of pathogenicity. Review status: criteria provided, conflicting classifications (1 of 4 stars). 4 submissions from 4 submitters: Uncertain significance (1); Likely benign (3). Last evaluated 2025-12-05.

Conditions:
Inborn genetic diseases. Identifiers: MedGen C0950123, MeSH D030342.
Landau-Kleffner syndrome (FESD). Also called: EPILEPSY, FOCAL, WITH SPEECH DISORDER AND WITH OR WITHOUT MENTAL RETARDATION; APHASIA, ACQUIRED, WITH EPILEPSY. Identifiers: Orphanet 1945, Orphanet 725, Orphanet 98818, MedGen C0282512, MONDO:0009509, OMIM 245570.

Allele frequency attached by ClinVar (database versions not stated): TOPMed 0.00016; gnomAD 0.00024 and 0.00023; gnomAD exomes 0.00004 and 0.00012; ExAC 0.00012; ESP Exome Variant Server 0.00015.
gnomAD v4.1: 97 of 1,613,774 alleles (0.006%); highest among the groups gnomAD compares: Middle Eastern, 0.066%; no homozygotes.

Submissions (4):

Labcorp Genetics (formerly Invitae), Labcorp
Classification: Likely benign for Landau-Kleffner syndrome. Last evaluated: 2025-12-05. Review status: criteria provided, single submitter. Criteria: Invitae Variant Classification Sherloc (09022015). Collection method: clinical testing. Allele origin: germline.

Ambry Genetics
Classification: Likely benign for Inborn genetic diseases. Last evaluated: 2022-05-05. Review status: criteria provided, single submitter. Criteria: Ambry Variant Classification Scheme 2023. Collection method: clinical testing. Allele origin: germline.

GeneDx
Classification: Likely benign. Last evaluated: 2021-03-12. Review status: criteria provided, single submitter. Criteria: GeneDx Variant Classification Process June 2021. Collection method: clinical testing. Allele origin: germline. Affected: yes.
Comment: This variant is associated with the following publications: (PMID: 28166811, 27839871, 30919572)

Eurofins Ntd Llc (ga)
Classification: Uncertain significance. Last evaluated: 2016-05-11. Review status: criteria provided, single submitter. Criteria: EGL Classification Definitions 2015. Collection method: clinical testing. Allele origin: germline. Observed: 2 variant alleles, 2 heterozygotes.

NM_001134407.3(GRIN2A):c.2165C>T (p.Thr722Met)

Gene: GRIN2A (glutamate ionotropic receptor NMDA type subunit 2A; minus strand). Cytogenetic location: 16p13.2.
Variant type: single nucleotide variant.
Coding change: c.2165C>T on transcript NM_001134407.3 (MANE Select); coding-DNA position 2165, C replaced by T.
Protein change: p.Thr722Met; replaces threonine 722 with methionine.
Molecular consequence: missense variant.
Genome position (GRCh38, 1-based): chr16:9,822,267, G>A on the plus strand (C>T on the coding strand, the complement: GRIN2A is on the minus strand). VCF-style: chr16-9822267-G-A. GRCh37 (hg19) VCF-style: chr16-9916124-G-A.
Other names: c.2165C>T, p.Thr722Met (NM_000833.5, NM_001134408.2); short protein forms T722M.
Identifiers: ClinVar variation 287546 (VCV000287546.21), dbSNP rs376029542, ClinGen allele CA7896586.